The following is an entry in ClinVar:

ClinVar aggregate classification (germline): Uncertain significance. Review status: criteria provided, multiple submitters, no conflicts (2 of 4 stars). 2 submissions from 2 submitters: Uncertain significance (2). Last evaluated 2024-09-16.

Allele frequency attached by ClinVar (database versions not stated): ESP Exome Variant Server 0.00008; ExAC 0.00009; gnomAD exomes 0.00009; TOPMed 0.00014.
gnomAD v4.1: 112 of 1,613,426 alleles (0.0069%); highest among the groups gnomAD compares: Middle Eastern, 0.036%; no homozygotes.

Submissions (2):

Labcorp Genetics (formerly Invitae), Labcorp
Classification: Uncertain significance. Last evaluated: 2024-09-16. Review status: criteria provided, single submitter. Criteria: Invitae Variant Classification Sherloc (09022015). Collection method: clinical testing. Allele origin: germline.
Comment: This sequence change replaces proline, which is neutral and non-polar, with leucine, which is neutral and non-polar, at codon 545 of the CLCC1 protein (p.Pro545Leu). This variant is present in population databases (rs145504985, gnomAD 0.05%). This variant has not been reported in the literature in individuals affected with CLCC1-related conditions. ClinVar contains an entry for this variant (Variation ID: 942625). An algorithm developed to predict the effect of missense changes on protein structure and function outputs the following: PolyPhen-2: "Benign". The leucine amino acid residue is found in multiple mammalian species, which suggests that this missense change does not adversely affect protein function. In summary, the available evidence is currently insufficient to determine the role of this variant in disease. Therefore, it has been classified as a Variant of Uncertain Significance.

Ambry Genetics
Classification: Uncertain significance. Last evaluated: 2023-03-27. Review status: criteria provided, single submitter. Criteria: Ambry Variant Classification Scheme 2023. Collection method: clinical testing. Allele origin: germline.

NM_001377458.1(CLCC1):c.1634C>T (p.Pro545Leu)

Gene: CLCC1 (chloride channel CLIC like 1; minus strand). Cytogenetic location: 1p13.3.
Variant type: single nucleotide variant.
Coding change: c.1634C>T on transcript NM_001377458.1 (MANE Select); coding-DNA position 1634, C replaced by T.
Protein change: p.Pro545Leu; replaces proline 545 with leucine.
Molecular consequence: missense variant. On other transcripts: non-coding transcript variant (1).
Genome position (GRCh38, 1-based): chr1:108,934,692, G>A on the plus strand (C>T on the coding strand, the complement: CLCC1 is on the minus strand). VCF-style: chr1-108934692-G-A. GRCh37 (hg19) VCF-style: chr1-109477314-G-A.
Other names: c.1634C>T, p.Pro545Leu (NM_001048210.3, NM_001377459.1, NM_001377460.1 and 8 more transcripts); c.1271C>T, p.Pro424Leu (NM_001278202.2); c.1079C>T, p.Pro360Leu (NM_001278203.1); c.1532C>T, p.Pro511Leu (NM_001377469.1); c.1343C>T, p.Pro448Leu (NM_001377470.1); c.1484C>T, p.Pro495Leu (NM_015127.5); c.1634C>T (NM_001048210.1); short protein forms P424L, P495L, P360L, P448L, P511L, P545L.
Identifiers: ClinVar variation 942625 (VCV000942625.10), dbSNP rs145504985, ClinGen allele CA983281.